The following is an entry in ClinVar:

NM_181303.2(NLGN3):c.237C>G (p.Ile79Met)

Gene: NLGN3 (neuroligin 3; plus strand). Cytogenetic location: Xq13.1.
Variant type: single nucleotide variant.
Coding change: c.237C>G on transcript NM_181303.2 (MANE Select); coding-DNA position 237, C replaced by G.
Protein change: p.Ile79Met; replaces isoleucine 79 with methionine.
Molecular consequence: missense variant. On other transcripts: intron variant (1).
Genome position (GRCh38, 1-based): chrX:71,147,986, C>G. VCF-style: chrX-71147986-C-G. GRCh37 (hg19) VCF-style: chrX-70367836-C-G.
Other names: c.237C>G, p.Ile79Met (NM_001166660.2, NM_018977.4); c.-38-77C>G (NM_001321276.2); short protein forms I79M.
Identifiers: ClinVar variation 2691361 (VCV002691361.1), dbSNP rs756256945, ClinGen allele CA10444983.

ClinVar aggregate classification (germline): Uncertain significance (1 of 4 stars; one submission).

gnomAD v4.1: 1 of 1,207,294 alleles (0.000083%); highest among the groups gnomAD compares: Non-Finnish European, 0.00011%; no homozygotes.

Submission:

Women's Health and Genetics/Laboratory Corporation of America, LabCorp
Classification: Uncertain significance. Last evaluated: 2023-12-20. Review status: criteria provided, single submitter. Criteria: LabCorp Variant Classification Summary - May 2015. Collection method: clinical testing. Allele origin: germline.
Comment: Variant summary: NLGN3 c.237C>G (p.Ile79Met) results in a conservative amino acid change located in the Carboxylesterase, type B domain (IPR002018) of the encoded protein sequence. Three of five in-silico tools predict a damaging effect of the variant on protein function. The variant allele was found at a frequency of 5.5e-06 in 180763 control chromosomes (gnomAD). The available data on variant occurrences in the general population are insufficient to allow any conclusion about variant significance. To our knowledge, no occurrence of c.237C>G in individuals affected with Autism Susceptibility, X-Linked and no experimental evidence demonstrating its impact on protein function have been reported. No submitters have cited clinical-significance assessments for this variant to ClinVar after 2014. Based on the evidence outlined above, the variant was classified as uncertain significance.